The following is an entry in ClinVar:

NM_000138.5(FBN1):c.4748-4A>G

Gene: FBN1 (fibrillin 1; minus strand). Cytogenetic location: 15q21.1.
Variant type: single nucleotide variant.
Coding change: c.4748-4A>G on transcript NM_000138.5 (MANE Select); 4 bases into the intron before coding-DNA position 4748, A replaced by G.
Molecular consequence: intron variant.
Genome position (GRCh38, 1-based): chr15:48,465,862, T>C on the plus strand (A>G on the coding strand, the complement: FBN1 is on the minus strand). VCF-style: chr15-48465862-T-C. GRCh37 (hg19) VCF-style: chr15-48758059-T-C.
Other names: c.4748-4A>G (NM_000138.4, NM_001406716.1).
Identifiers: ClinVar variation 2929413 (VCV002929413.4), dbSNP rs2505497864, ClinGen allele CA2628333638.

ClinVar aggregate classification (germline): Uncertain significance. Review status: criteria provided, multiple submitters, no conflicts (2 of 4 stars). 2 submissions from 2 submitters: Uncertain significance (2). Last evaluated 2026-06-01.

Conditions:
Marfan syndrome (MFS). Also called: MARFAN SYNDROME, TYPE I; Marfan syndrome type 1; Marfan's syndrome; Marfan syndrome, classic; FBN1-Related Marfan Syndrome. Identifiers: Orphanet 284963, Orphanet 558, MedGen C0024796, MONDO:0007947, OMIM 154700.
Familial thoracic aortic aneurysm and aortic dissection (TAAD). Also called: Thoracic aortic aneurysms and dissections. Identifiers: Orphanet 91387, MedGen C4707243, MONDO:0019625.

Allele frequency attached by ClinVar (database versions not stated): gnomAD exomes below 0.00001.
gnomAD v4.1: 3 of 1,609,134 alleles (0.00019%); highest among the groups gnomAD compares: South Asian, 0.0011%; no homozygotes.

Submissions (2):

Ambry Genetics
Classification: Uncertain significance for Familial thoracic aortic aneurysm and aortic dissection. Last evaluated: 2026-06-01. Review status: criteria provided, single submitter. Criteria: Ambry Variant Classification Scheme 2023. Collection method: clinical testing. Allele origin: germline.
Comment: The c.4748-4A>G intronic variant consists of an A to G substitution 4 nucleotides before exon 39 (coding exon 38) in the FBN1 gene. This variant was not reported in population-based cohorts in the Genome Aggregation Database (gnomAD). This nucleotide position is not well conserved in available vertebrate species. In silico splice site analysis predicts that this alteration will result in the creation or strengthening of a novel splice acceptor site. Based on insufficient or conflicting evidence, the clinical significance of this alteration remains unclear.

Labcorp Genetics (formerly Invitae), Labcorp
Classification: Uncertain significance for Marfan syndrome; Familial thoracic aortic aneurysm and aortic dissection. Last evaluated: 2023-05-05. Review status: criteria provided, single submitter. Criteria: Invitae Variant Classification Sherloc (09022015). Collection method: clinical testing. Allele origin: germline.
Comment: In summary, the available evidence is currently insufficient to determine the role of this variant in disease. Therefore, it has been classified as a Variant of Uncertain Significance. Algorithms developed to predict the effect of sequence changes on RNA splicing suggest that this variant may create or strengthen a splice site. This variant has not been reported in the literature in individuals affected with FBN1-related conditions. This variant is not present in population databases (gnomAD no frequency). This sequence change falls in intron 38 of the FBN1 gene. It does not directly change the encoded amino acid sequence of the FBN1 protein.